The following is an entry in ClinVar:

NM_016239.4(MYO15A):c.6782G>A (p.Trp2261Ter)

Gene: MYO15A (myosin XVA; plus strand). Cytogenetic location: 17p11.2.
Variant type: single nucleotide variant.
Coding change: c.6782G>A on transcript NM_016239.4 (MANE Select); coding-DNA position 6782, G replaced by A.
Protein change: p.Trp2261Ter; replaces tryptophan 2261 with a stop codon.
Molecular consequence: nonsense.
Genome position (GRCh38, 1-based): chr17:18,148,778, G>A. VCF-style: chr17-18148778-G-A. GRCh37 (hg19) VCF-style: chr17-18052092-G-A.
Other names: short protein forms W2261*.
Identifiers: ClinVar variation 3601380 (VCV003601380.3).

ClinVar aggregate classification (germline): Pathogenic/Likely pathogenic. Review status: criteria provided, multiple submitters, no conflicts (2 of 4 stars). 2 submissions from 2 submitters: Pathogenic (1); Likely pathogenic (1). Last evaluated 2025-01-09.

Conditions:
Autosomal recessive nonsyndromic hearing loss 3. Also called: NEUROSENSORY NONSYNDROMIC RECESSIVE DEAFNESS 3. Identifiers: Orphanet 90636, MedGen C1838263, MONDO:0010860, OMIM 600316.

Submissions (2):

Institute of Rare Diseases, West China Hospital, Sichuan University
Classification: Pathogenic for Autosomal recessive nonsyndromic hearing loss 3. Last evaluated: 2025-01-09. Review status: criteria provided, single submitter. Criteria: ClinGen HL ACMG Specifications v1. Collection method: research. Allele origin: germline. Affected: yes.
Comment: PVS1;PM3_Strong;PM2_Supporting

Juno Genomics, Hangzhou Juno Genomics, Inc
Classification: Likely pathogenic for Autosomal recessive nonsyndromic hearing loss 3. Review status: criteria provided, single submitter. Criteria: ACMG Guidelines, 2015. Collection method: clinical testing. Allele origin: germline.
Comment: Null variant in a gene where loss of function (LOF) is a known mechanism of disease.;Absent from controls (or at extremely low frequency if recessive) in Genome Aggregation Database.